The following is an entry in ClinVar:

NM_001089.3(ABCA3):c.3805G>C (p.Glu1269Gln)

Gene: ABCA3 (ATP binding cassette subfamily A member 3; minus strand). Cytogenetic location: 16p13.3.
Variant type: single nucleotide variant.
Coding change: c.3805G>C on transcript NM_001089.3 (MANE Select); coding-DNA position 3805, G replaced by C.
Protein change: p.Glu1269Gln; replaces glutamic acid 1269 with glutamine.
Molecular consequence: missense variant.
Genome position (GRCh38, 1-based): chr16:2,284,336, C>G on the plus strand (G>C on the coding strand, the complement: ABCA3 is on the minus strand). VCF-style: chr16-2284336-C-G. GRCh37 (hg19) VCF-style: chr16-2334337-C-G.
Other names: short protein forms E1269Q.
Identifiers: ClinVar variation 1735104 (VCV001735104.5), dbSNP rs776731355, ClinGen allele CA394314267.

ClinVar aggregate classification (germline): Uncertain significance. Review status: criteria provided, multiple submitters, no conflicts (2 of 4 stars). 2 submissions from 2 submitters: Uncertain significance (2). Last evaluated 2022-05-04.

Conditions:
Hereditary pulmonary alveolar proteinosis. Also called: Pulmonary surfactant metabolism dysfunction. Identifiers: Orphanet 264675, MedGen C3711368, MONDO:0012580.
Interstitial lung disease due to ABCA3 deficiency. Also called: PULMONARY ALVEOLAR PROTEINOSIS, CONGENITAL, 3. Identifiers: Orphanet 440402, MedGen C1970456, MONDO:0012582, OMIM 610921.

gnomAD v4.1: 3 of 1,613,910 alleles (0.00019%); highest among the groups gnomAD compares: Non-Finnish European, 0.00025%; no homozygotes.

Submissions (2):

Revvity Omics, Revvity
Classification: Uncertain significance for Interstitial lung disease due to ABCA3 deficiency. Last evaluated: 2022-05-04. Review status: criteria provided, single submitter. Criteria: ACMG Guidelines, 2015. Collection method: clinical testing. Allele origin: germline.

Ambry Genetics
Classification: Uncertain significance for Hereditary pulmonary alveolar proteinosis. Last evaluated: 2016-09-06. Review status: criteria provided, single submitter. Criteria: Ambry Variant Classification Scheme 2023. Collection method: clinical testing. Allele origin: germline.
Comment: The p.E1269Q variant (also known as c.3805G>C), located in coding exon 22 of the ABCA3 gene, results from a G to C substitution at nucleotide position 3805. The glutamic acid at codon 1269 is replaced by glutamine, an amino acid with highly similar properties. This variant was not reported in population based cohorts in the following databases: Database of Single Nucleotide Polymorphisms (dbSNP), NHLBI Exome Sequencing Project (ESP), and 1000 Genomes Project. In the ESP, this variant was not observed in 6498 samples (12996 alleles) with coverage at this position. This amino acid position is well conserved in available vertebrate species; however, glutamine is the reference amino acid in other vertebrate species. In addition, the in silico prediction for this alteration is inconclusive. Since supporting evidence is limited at this time, the clinical significance of this alteration remains unclear.